The following is an entry in ClinVar:

NM_024642.5(GALNT12):c.84G>A (p.Leu28=)

Genes: GALNT12 (polypeptide N-acetylgalactosaminyltransferase 12; plus strand), LOC130002222 (ATAC-STARR-seq lymphoblastoid silent region 20123; plus strand). Cytogenetic location: 9q22.33.
Variant type: single nucleotide variant.
Coding change: c.84G>A on transcript NM_024642.5 (MANE Select); coding-DNA position 84, G replaced by A.
Protein change: p.Leu28=; no amino-acid change (leucine 28 retained).
Molecular consequence: synonymous variant.
Genome position (GRCh38, 1-based): chr9:98,807,782, G>A. VCF-style: chr9-98807782-G-A. GRCh37 (hg19) VCF-style: chr9-101570064-G-A.
Identifiers: ClinVar variation 822516 (VCV000822516.14), dbSNP rs1588436093, ClinGen allele CA466423716.

ClinVar aggregate classification (germline): Benign/Likely benign. Review status: criteria provided, multiple submitters, no conflicts (2 of 4 stars). 3 submissions from 3 submitters: Benign (1); Likely benign (2). Last evaluated 2026-04-22.

Conditions:
Colorectal cancer, susceptibility to, 1. Also called: COLORECTAL ADENOMA AND CANCER, SUSCEPTIBILITY TO; COLORECTAL CANCER, SUSCEPTIBILITY TO, ON CHROMOSOME 9. Identifiers: MedGen C1837315, MONDO:0012132, OMIM 608812.

Allele frequency attached by ClinVar (database versions not stated): gnomAD exomes below 0.00001; TOPMed 0.00002.
gnomAD v4.1: 1 of 1,144,634 alleles (0.000087%); highest among the groups gnomAD compares: Non-Finnish European, 0.00011%; no homozygotes.

Submissions (3):

Myriad Genetics, Inc.
Classification: Benign for Colorectal cancer, susceptibility to, 1. Last evaluated: 2026-04-22. Review status: criteria provided, single submitter. Criteria: Myriad Autosomal Dominant, Autosomal Recessive and X-Linked Classification Criteria (2023). Collection method: clinical testing. Allele origin: unknown.
Comment: This variant is considered benign. This variant is a silent/synonymous amino acid change and it is not expected to impact splicing.

Labcorp Genetics (formerly Invitae), Labcorp
Classification: Likely benign. Last evaluated: 2024-08-11. Review status: criteria provided, single submitter. Criteria: Invitae Variant Classification Sherloc (09022015). Collection method: clinical testing. Allele origin: germline.

Ambry Genetics
Classification: Likely benign. Last evaluated: 2019-06-17. Review status: criteria provided, single submitter. Criteria: Ambry Variant Classification Scheme 2023. Collection method: clinical testing. Allele origin: germline.